The following is an entry in ClinVar:

NM_207037.2(TCF12):c.850C>T (p.Pro284Ser)

Gene: TCF12 (transcription factor 12; plus strand). Cytogenetic location: 15q21.3.
Variant type: single nucleotide variant.
Coding change: c.850C>T on transcript NM_207037.2 (MANE Select); coding-DNA position 850, C replaced by T.
Protein change: p.Pro284Ser; replaces proline 284 with serine.
Molecular consequence: missense variant.
Genome position (GRCh38, 1-based): chr15:57,232,736, C>T. VCF-style: chr15-57232736-C-T. GRCh37 (hg19) VCF-style: chr15-57524934-C-T.
Other names: c.340C>T, p.Pro114Ser (NM_001306219.3, NM_207040.2); c.142C>T, p.Pro48Ser (NM_001306220.3); c.850C>T, p.Pro284Ser (NM_001322151.2, NM_001322152.2, NM_001322157.3 and 7 more transcripts); c.193C>T, p.Pro65Ser (NM_001322154.2); c.676C>T, p.Pro226Ser (NM_001322156.2, NM_001322158.2); c.886C>T, p.Pro296Ser (NM_001322164.2); short protein forms P114S, P226S, P284S, P296S, P48S, P65S.
Identifiers: ClinVar variation 3371926 (VCV003371926.1).

ClinVar aggregate classification (germline): Uncertain significance (1 of 4 stars; one submission).

Submission:

GeneDx
Classification: Uncertain significance. Last evaluated: 2024-03-31. Review status: criteria provided, single submitter. Criteria: GeneDx Variant Classification Process June 2021. Collection method: clinical testing. Allele origin: germline. Affected: yes.
Comment: Not observed at significant frequency in large population cohorts (gnomAD); In silico analysis supports that this missense variant does not alter protein structure/function; Has not been previously published as pathogenic or benign to our knowledge